The following is an entry in ClinVar:

NC_000007.13:g.(?_117120016)_(117308720_?)dup

Gene: CFTR (CF transmembrane conductance regulator; plus strand). Cytogenetic location: 7q31.2.
Variant type: Duplication.
Identifiers: ClinVar variation 2577305 (VCV002577305.1).

ClinVar aggregate classification (germline): Uncertain significance (1 of 4 stars; one submission).

Submission:

Women's Health and Genetics/Laboratory Corporation of America, LabCorp
Classification: Uncertain significance. Last evaluated: 2023-07-06. Review status: criteria provided, single submitter. Criteria: LabCorp Variant Classification Summary - May 2015. Collection method: clinical testing. Allele origin: germline.
Comment: Variant summary: The variant identified by MLPA or other technology involves the duplication of exons 1-27, i.e. the whole coding sequence of the CFTR gene. A presumed nomenclature of c.(?_-133)_(*1558_?)dup has been designated for the purposes of this classification. Since the exact breakpoints of this duplication are not known, it might extend beyond the assayed region of the gene, and include other flanking genes. It has been assumed that this is a tandem duplication in direct orientation (Richardson_GIM_2018, Newman_AJHG_2015). The variant was absent in 21694 control chromosomes in the gnomAD database, structural variants dataset. The available data on variant occurrences in the general population are insufficient to allow any conclusion about variant significance. To our knowledge, no occurrence of c.(?_-133)_(*1558_?)dup in individuals affected with Cystic Fibrosis and no experimental evidence demonstrating its impact on protein function have been reported. One submitter has cited clinical-significance assessments for this variant to ClinVar after 2014 and has classified the variant as uncertain significance. Based on the evidence outlined above, the variant was classified as uncertain significance.